The following is an entry in ClinVar:

ClinVar aggregate classification (germline): Likely benign (1 of 4 stars; one submission).

gnomAD v4.1: 2 of 1,613,064 alleles (0.00012%); highest among the groups gnomAD compares: Non-Finnish European, 0.00017%; no homozygotes.

Submission:

CeGaT Center for Human Genetics Tuebingen
Classification: Likely benign. Last evaluated: 2022-05-01. Review status: criteria provided, single submitter. Criteria: CeGaT Center For Human Genetics Tuebingen Variant Classification Criteria Version 2. Collection method: clinical testing. Allele origin: germline. Affected: yes. Observed: 1 variant allele.
Comment: MDC1: PM2, BP4, BS2

NM_014641.3(MDC1):c.2785G>T (p.Asp929Tyr)

Genes: MDC1 (mediator of DNA damage checkpoint 1; minus strand), MDC1-AS1 (MDC1 antisense RNA 1; plus strand). Cytogenetic location: 6p21.33.
Variant type: single nucleotide variant.
Coding change: c.2785G>T on transcript NM_014641.3 (MANE Select); coding-DNA position 2785, G replaced by T.
Protein change: p.Asp929Tyr; replaces aspartic acid 929 with tyrosine.
Molecular consequence: missense variant.
Genome position (GRCh38, 1-based): chr6:30,707,794, C>A on the plus strand (G>T on the coding strand, the complement: MDC1 is on the minus strand). VCF-style: chr6-30707794-C-A. GRCh37 (hg19) VCF-style: chr6-30675571-C-A.
Other names: short protein forms D929Y.
Identifiers: ClinVar variation 2656342 (VCV002656342.24), dbSNP rs772732783, ClinGen allele CA136795777.